The following is an entry in ClinVar:

ClinVar aggregate classification (germline): Uncertain significance (1 of 4 stars; one submission).

Conditions:
Congenital myasthenic syndrome 8. Also called: Myasthenic syndrome, congenital, 8, with pre- and postsynaptic defects; MYASTHENIC SYNDROME, CONGENITAL, DUE TO AGRIN DEFICIENCY. Identifiers: Orphanet 590, MedGen C3808739, MONDO:0014052, OMIM 615120.

Allele frequency attached by ClinVar (database versions not stated): gnomAD exomes below 0.00001; TOPMed below 0.00001.

Submission:

Labcorp Genetics (formerly Invitae), Labcorp
Classification: Uncertain significance for Congenital myasthenic syndrome 8. Last evaluated: 2022-06-02. Review status: criteria provided, single submitter. Criteria: Invitae Variant Classification Sherloc (09022015). Collection method: clinical testing. Allele origin: germline.
Comment: This sequence change replaces threonine, which is neutral and polar, with asparagine, which is neutral and polar, at codon 1866 of the AGRN protein (p.Thr1866Asn). This variant is present in population databases (no rsID available, gnomAD 0.003%). This variant has not been reported in the literature in individuals affected with AGRN-related conditions. Algorithms developed to predict the effect of missense changes on protein structure and function are either unavailable or do not agree on the potential impact of this missense change (SIFT: "Deleterious"; PolyPhen-2: "Benign"; Align-GVGD: "Class C0"). In summary, the available evidence is currently insufficient to determine the role of this variant in disease. Therefore, it has been classified as a Variant of Uncertain Significance.

NM_198576.4(AGRN):c.5597C>A (p.Thr1866Asn)

Gene: AGRN (agrin; plus strand). Cytogenetic location: 1p36.33.
Variant type: single nucleotide variant.
Coding change: c.5597C>A on transcript NM_198576.4 (MANE Select); coding-DNA position 5597, C replaced by A.
Protein change: p.Thr1866Asn; replaces threonine 1866 with asparagine.
Molecular consequence: missense variant.
Genome position (GRCh38, 1-based): chr1:1,051,761, C>A. VCF-style: chr1-1051761-C-A. GRCh37 (hg19) VCF-style: chr1-987141-C-A.
Other names: c.5609C>A, p.Thr1870Asn (NM_001305275.2); c.5294C>A, p.Thr1765Asn (NM_001364727.2); short protein forms T1866N, T1870N, T1765N.
Identifiers: ClinVar variation 2079262 (VCV002079262.1), dbSNP rs938582420, ClinGen allele CA16702831.